The following is an entry in ClinVar:

NM_002519.3(NPAT):c.518T>C (p.Val173Ala)

Gene: NPAT (nuclear protein, coactivator of histone transcription; minus strand). Cytogenetic location: 11q22.3.
Variant type: single nucleotide variant.
Coding change: c.518T>C on transcript NM_002519.3 (MANE Select); coding-DNA position 518, T replaced by C.
Protein change: p.Val173Ala; replaces valine 173 with alanine.
Molecular consequence: missense variant.
Genome position (GRCh38, 1-based): chr11:108,189,144, A>G on the plus strand (T>C on the coding strand, the complement: NPAT is on the minus strand). VCF-style: chr11-108189144-A-G. GRCh37 (hg19) VCF-style: chr11-108059871-A-G.
Other names: c.518T>C, p.Val173Ala (NM_001321307.1); short protein forms V173A.
Identifiers: ClinVar variation 2615003 (VCV002615003.2), dbSNP rs2496745339, ClinGen allele CA382524152.

ClinVar aggregate classification (germline): Uncertain significance (1 of 4 stars; one submission).

Submission:

Ambry Genetics
Classification: Uncertain significance. Last evaluated: 2023-06-28. Review status: criteria provided, single submitter. Criteria: Ambry Variant Classification Scheme 2023. Collection method: clinical testing. Allele origin: germline.
Comment: The p.V173A variant (also known as c.518T>C), located in coding exon 6 of the NPAT gene, results from a T to C substitution at nucleotide position 518. The valine at codon 173 is replaced by alanine, an amino acid with similar properties. This amino acid position is conserved. In addition, this alteration is predicted to be tolerated by in silico analysis. Since supporting evidence is limited at this time, the clinical significance of this alteration remains unclear.